The following is an entry in ClinVar:

ClinVar aggregate classification (germline): Uncertain significance (1 of 4 stars; one submission).

Allele frequency attached by ClinVar (database versions not stated): TOPMed below 0.00001; gnomAD 0.00001.

Submission:

GeneDx
Classification: Uncertain significance. Last evaluated: 2024-11-22. Review status: criteria provided, single submitter. Criteria: GeneDx Variant Classification Process June 2021. Collection method: clinical testing. Allele origin: germline. Affected: yes.
Comment: Not observed at significant frequency in large population cohorts (gnomAD); In silico analysis supports that this missense variant has a deleterious effect on protein structure/function; Has not been previously published as pathogenic or benign to our knowledge

NM_139343.3(BIN1):c.1120A>G (p.Thr374Ala)

Gene: BIN1 (bridging integrator 1; minus strand). Cytogenetic location: 2q14.3.
Variant type: single nucleotide variant.
Coding change: c.1120A>G on transcript NM_139343.3 (MANE Select); coding-DNA position 1120, A replaced by G.
Protein change: p.Thr374Ala; replaces threonine 374 with alanine.
Molecular consequence: missense variant. On other transcripts: intron variant (9).
Genome position (GRCh38, 1-based): chr2:127,057,484, T>C on the plus strand (A>G on the coding strand, the complement: BIN1 is on the minus strand). VCF-style: chr2-127057484-T-C. GRCh37 (hg19) VCF-style: chr2-127815060-T-C.
Other names: c.1120A>G, p.Thr374Ala (NM_001320640.2); c.1027A>G, p.Thr343Ala (NM_001320641.2, NM_139347.3, NM_139348.3); c.1039A>G, p.Thr347Ala (NM_001320642.1); c.1072A>G, p.Thr358Ala (NM_139346.3); c.837+1527A>G (NM_001320634.1); c.909+1527A>G (NM_139351.3, NM_139350.3, NM_139349.3); c.954+1527A>G (NM_001320632.2, NM_004305.4); c.1002+1527A>G (NM_001320633.2, NM_139345.3, NM_139344.3); short protein forms T343A, T347A, T358A, T374A.
Identifiers: ClinVar variation 2443663 (VCV002443663.2), dbSNP rs1683849707, ClinGen allele CA348378378.